The following is an entry in ClinVar:

ClinVar aggregate classification (germline): Uncertain significance (1 of 4 stars; one submission).

Conditions:
Familial adenomatous polyposis 1 (FAP1). Also called: FAMILIAL ADENOMATOUS POLYPOSIS 1, ATTENUATED; POLYPOSIS, ADENOMATOUS INTESTINAL. Identifiers: MedGen C2713442, MONDO:0021056, OMIM 175100. Disease mechanism: loss of function.

Allele frequency attached by ClinVar (database versions not stated): gnomAD exomes below 0.00001.
gnomAD v4.1: 2 of 1,613,990 alleles (0.00012%); highest among the groups gnomAD compares: Non-Finnish European, 0.00017%; no homozygotes.

Submission:

Labcorp Genetics (formerly Invitae), Labcorp
Classification: Uncertain significance for Familial adenomatous polyposis 1. Last evaluated: 2025-07-23. Review status: criteria provided, single submitter. Criteria: Invitae Variant Classification Sherloc (09022015). Collection method: clinical testing. Allele origin: germline.
Comment: This sequence change replaces serine, which is neutral and polar, with proline, which is neutral and non-polar, at codon 2304 of the APC protein (p.Ser2304Pro). This variant is not present in population databases (gnomAD no frequency). This variant has not been reported in the literature in individuals affected with APC-related conditions. ClinVar contains an entry for this variant (Variation ID: 2803998). Invitae Evidence Modeling of protein sequence and biophysical properties (such as structural, functional, and spatial information, amino acid conservation, physicochemical variation, residue mobility, and thermodynamic stability) indicates that this missense variant is not expected to disrupt APC protein function with a negative predictive value of 95%. In summary, the available evidence is currently insufficient to determine the role of this variant in disease. Therefore, it has been classified as a Variant of Uncertain Significance.

NM_000038.6(APC):c.6910T>C (p.Ser2304Pro)

Gene: APC (APC regulator of Wnt signaling pathway; plus strand). Cytogenetic location: 5q22.2.
Variant type: single nucleotide variant.
Coding change: c.6910T>C on transcript NM_000038.6 (MANE Select); coding-DNA position 6910, T replaced by C.
Protein change: p.Ser2304Pro; replaces serine 2304 with proline.
Molecular consequence: missense variant. On other transcripts: non-coding transcript variant (2).
Genome position (GRCh38, 1-based): chr5:112,842,504, T>C. VCF-style: chr5-112842504-T-C. GRCh37 (hg19) VCF-style: chr5-112178201-T-C.
Other names: c.6910T>C, p.Ser2304Pro (NM_001127510.3, NM_001354895.2, NM_001407450.1); c.6856T>C, p.Ser2286Pro (NM_001127511.3); c.6964T>C, p.Ser2322Pro (NM_001354896.2, NM_001407447.1, NM_001407448.1 and 1 more transcripts); c.6940T>C, p.Ser2314Pro (NM_001354897.2); c.6835T>C, p.Ser2279Pro (NM_001354898.2); c.6826T>C, p.Ser2276Pro (NM_001354899.2); c.6787T>C, p.Ser2263Pro (NM_001354900.2); c.6733T>C, p.Ser2245Pro (NM_001354901.2, NM_001407453.1); and 11 more; short protein forms S2203P, S2221P, S2245P, S2276P, S2314P, S2332P, S2178P, S2304P.
Identifiers: ClinVar variation 2803998 (VCV002803998.3), dbSNP rs2149976053, ClinGen allele CA16036405.